The following is an entry in ClinVar:

ClinVar aggregate classification (germline): Pathogenic (1 of 4 stars; one submission).

Conditions:
KBG syndrome (KBGS). Also called: ANKRD11-Related KBG Syndrome. Identifiers: Orphanet 2332, MedGen C0220687, MONDO:0007846, OMIM 148050.

Submission:

Victorian Clinical Genetics Services, Murdoch Childrens Research Institute
Classification: Pathogenic for KBG syndrome. Last evaluated: 2022-02-02. Review status: criteria provided, single submitter. Criteria: ACMG Guidelines, 2015. Collection method: clinical testing. Allele origin: germline. Inheritance: Autosomal dominant inheritance. Affected: yes.
Comment: Based on the classification scheme VCGS_Germline_v1.3.4, this variant is classified as Pathogenic. Following criteria are met: 0102 - Loss of function is a known mechanism of disease in this gene and is associated with KBG syndrome (MIM#148050). (I) 0107 - This gene is associated with autosomal dominant disease. (I) 0115 - Variants in this gene are known to have variable expressivity. Intra-familial variability is commonly reported (PMID: 29258554). (I) 0200 - Variant is predicted to result in a missense amino acid change from proline to arginine. (I) 0251 - This variant is heterozygous. (I) 0301 - Variant is absent from gnomAD (both v2 and v3). (SP) 0501 - Missense variant consistently predicted to be damaging by multiple in silico tools or highly conserved with a major amino acid change. (SP) 0603 - Missense variant in a region that is highly intolerant to missense variation (high constraint region in DECIPHER). (SP) 0704 - Another missense variant comparable to the one identified in this case has limited previous evidence for pathogenicity. This alternative change (p.(Pro2494Thr)) has been reported as likely pathogenic (ClinVar). (SP) 0807 - This variant has no previous evidence of pathogenicity. (I) 0905 - No published segregation evidence has been identified for this variant. (I) 1007 - No published functional evidence has been identified for this variant. (I) 1102 - Strong phenotype match for this individual. (SP) Legend: (SP) - Supporting pathogenic, (I) - Information, (SB) - Supporting benign

Literature cited by the submitters: PubMed 29258554.

NM_013275.6(ANKRD11):c.7481C>G (p.Pro2494Arg)

Gene: ANKRD11 (ankyrin repeat domain 11; minus strand). Cytogenetic location: 16q24.3.
Variant type: single nucleotide variant.
Coding change: c.7481C>G on transcript NM_013275.6 (MANE Select); coding-DNA position 7481, C replaced by G.
Protein change: p.Pro2494Arg; replaces proline 2494 with arginine.
Molecular consequence: missense variant.
Genome position (GRCh38, 1-based): chr16:89,275,181, G>C on the plus strand (C>G on the coding strand, the complement: ANKRD11 is on the minus strand). VCF-style: chr16-89275181-G-C. GRCh37 (hg19) VCF-style: chr16-89341589-G-C.
Other names: c.7481C>G, p.Pro2494Arg (NM_001256182.2, NM_001256183.2); short protein forms P2494R.
Identifiers: ClinVar variation 1699505 (VCV001699505.3), dbSNP rs2151703550, ClinGen allele CA397147959.